The following is an entry in ClinVar:

ClinVar aggregate classification (germline): Benign. Review status: criteria provided, multiple submitters, no conflicts (2 of 4 stars). 8 submissions from 8 submitters: Benign (7). 1 of the submissions does not count toward it. Last evaluated 2026-02-02.

Conditions:
Pseudohypoaldosteronism type 2C (PHA2C). Also called: Pseudohypoaldosteronism Type IIC. Identifiers: Orphanet 757, Orphanet 88940, MedGen C1840391, MONDO:0013778, OMIM 614492.
Neuropathy, hereditary sensory and autonomic, type 2A (HSAN2A). Also called: MORVAN DISEASE; NEUROPATHY, CONGENITAL SENSORY; NEUROPATHY, HEREDITARY SENSORY RADICULAR, AUTOSOMAL RECESSIVE; NEUROPATHY, HEREDITARY SENSORY, TYPE IIA; NEUROPATHY, PROGRESSIVE SENSORY, OF CHILDREN; WNK1-Related HSAN2 (HSAN2A). Identifiers: Orphanet 970, MedGen C2752089, MONDO:0024309, OMIM 201300.
WNK1-related disorder. Also called: WNK1-related condition.

Allele frequency attached by ClinVar (database versions not stated): gnomAD exomes 0.00170; ExAC 0.00502; 1000 Genomes Project 0.01478; gnomAD 0.01612 and 0.01759; 1000 Genomes Project 30x 0.01671; ESP Exome Variant Server 0.01768; TOPMed 0.01858.
gnomAD v4.1: 5,078 of 1,614,168 alleles (0.31%); highest among the groups gnomAD compares: African/African-American, 5.6%; 117 homozygotes.

Submissions (14):

Labcorp Genetics (formerly Invitae), Labcorp
Classification: Benign for Neuropathy, hereditary sensory and autonomic, type 2A; Pseudohypoaldosteronism type 2C. Last evaluated: 2026-02-02. Review status: criteria provided, single submitter. Criteria: Invitae Variant Classification Sherloc (09022015). Collection method: clinical testing. Allele origin: germline.

ARUP Laboratories, Molecular Genetics and Genomics, ARUP Laboratories
Classification: Benign. Last evaluated: 2023-09-21. Review status: criteria provided, single submitter. Criteria: ARUP Molecular Germline Variant Investigation Process 2024. Collection method: clinical testing. Allele origin: germline.

Mayo Clinic Laboratories, Mayo Clinic
Classification: Benign. Last evaluated: 2023-04-03. Review status: criteria provided, single submitter. Criteria: ACMG Guidelines, 2015. Collection method: clinical testing. Allele origin: germline. Observed: 22 variant alleles.

Fulgent Genetics
Classification: Benign for Neuropathy, hereditary sensory and autonomic, type 2A; Pseudohypoaldosteronism type 2C. Last evaluated: 2021-07-28. Review status: criteria provided, single submitter. Criteria: ACMG Guidelines, 2015. Collection method: clinical testing. Allele origin: unknown.

GeneDx
Classification: Benign. Last evaluated: 2018-07-15. Review status: criteria provided, single submitter. Criteria: GeneDx Variant Classification Process June 2021. Collection method: clinical testing. Allele origin: germline. Affected: yes.

Illumina Laboratory Services, Illumina
Classification: Benign for Pseudohypoaldosteronism type 2C. Last evaluated: 2018-01-13. Review status: criteria provided, single submitter. Criteria: ICSL Variant Classification Criteria 13 December 2019. Collection method: clinical testing. Allele origin: germline.
Comment: This variant was observed in the ICSL laboratory as part of a predisposition screen in an ostensibly healthy population. It had not been previously curated by ICSL or reported in the Human Gene Mutation Database (HGMD: prior to June 1st, 2018), and was therefore a candidate for classification through an automated scoring system. Utilizing variant allele frequency, disease prevalence and penetrance estimates, and inheritance mode, an automated score was calculated to assess if this variant is too frequent to cause the disease. Based on the score and internal cut-off values, a variant classified as benign is not then subjected to further curation. The score for this variant resulted in a classification of benign for this disease.

Breakthrough Genomics
Classification: Benign. Review status: criteria provided, single submitter. Criteria: ACMG Guidelines, 2015. Collection method: not provided. Allele origin: germline. Inheritance: Autosomal recessive inheritance. Affected: yes.

PreventionGenetics, part of Exact Sciences
Classification: Benign for WNK1-related condition. Last evaluated: 2019-05-01. Review status: no assertion criteria provided. Collection method: clinical testing. Allele origin: germline. Not counted in ClinVar's aggregate classification.
Comment: This variant is classified as benign based on ACMG/AMP sequence variant interpretation guidelines (Richards et al. 2015 PMID: 25741868, with internal and published modifications).

Dr. Peter K. Rogan Lab, Western University
No classification provided (evidence only). Condition: Clear cell carcinoma of kidney. Review status: no classification provided. Collection method: in vitro. Allele origin: not applicable. Functional consequence: retained intron. Not counted in ClinVar's aggregate classification.

Dr. Peter K. Rogan Lab, Western University
No classification provided (evidence only). Condition: Acute myeloid leukemia. Review status: no classification provided. Collection method: in vitro. Allele origin: not applicable. Functional consequence: retained intron. Not counted in ClinVar's aggregate classification.

Dr. Peter K. Rogan Lab, Western University
No classification provided (evidence only). Condition: Acute myeloid leukemia. Review status: no classification provided. Collection method: in vitro. Allele origin: not applicable. Functional consequence: retained intron. Not counted in ClinVar's aggregate classification.

Dr. Peter K. Rogan Lab, Western University
No classification provided (evidence only). Condition: Cervical cancer. Review status: no classification provided. Collection method: in vitro. Allele origin: not applicable. Functional consequence: retained intron. Not counted in ClinVar's aggregate classification.

Dr. Peter K. Rogan Lab, Western University
No classification provided (evidence only). Condition: Sarcoma. Review status: no classification provided. Collection method: in vitro. Allele origin: not applicable. Functional consequence: retained intron. Not counted in ClinVar's aggregate classification.

Dr. Peter K. Rogan Lab, Western University
No classification provided (evidence only). Condition: Malignant tumor of esophagus. Review status: no classification provided. Collection method: in vitro. Allele origin: not applicable. Functional consequence: retained intron. Not counted in ClinVar's aggregate classification.

NM_018979.4(WNK1):c.3490-5T>A

Gene: WNK1 (WNK lysine deficient protein kinase 1; plus strand). Cytogenetic location: 12p13.33.
Variant type: single nucleotide variant.
Coding change: c.3490-5T>A on transcript NM_018979.4 (MANE Select); 5 bases into the intron before coding-DNA position 3490, T replaced by A.
Molecular consequence: intron variant.
Genome position (GRCh38, 1-based): chr12:883,390, T>A. VCF-style: chr12-883390-T-A. GRCh37 (hg19) VCF-style: chr12-992556-T-A.
Other names: p.?; c.4246-5T>A (NM_213655.5); c.4270-5T>A (NM_001184985.2); c.2749-5T>A (NM_014823.3).
Identifiers: ClinVar variation 310818 (VCV000310818.31), dbSNP rs72650719, ClinGen allele CA6382791.